The following is an entry in ClinVar:

ClinVar aggregate classification (germline): Conflicting classifications of pathogenicity. Review status: criteria provided, conflicting classifications (1 of 4 stars). 6 submissions from 6 submitters: Uncertain significance (4); Likely benign (1). 1 of the submissions does not count toward it. Last evaluated 2025-11-05.

Conditions:
POLD1-related polyposis and colorectal cancer syndrome (CRCS10). Also called: Colorectal cancer 10; COLORECTAL CANCER, SUSCEPTIBILITY TO, ON CHROMOSOME 19q; Colorectal cancer, susceptibility to, 10. Identifiers: Orphanet 220460, MedGen C2675481, MONDO:0012953, OMIM 612591.
Hereditary cancer-predisposing syndrome. Also called: Tumor predisposition; Hereditary Cancer Syndrome; Hereditary neoplastic syndrome; Neoplastic Syndromes, Hereditary. Identifiers: Orphanet 140162, MedGen C0027672, MeSH D009386, MONDO:0015356.

Allele frequency attached by ClinVar (database versions not stated): gnomAD exomes below 0.00001 and 0.00001; gnomAD 0.00001; TOPMed 0.00001.
gnomAD v4.1: 8 of 1,560,456 alleles (0.00051%); highest among the groups gnomAD compares: African/African-American, 0.0054%; no homozygotes.

Submissions (6):

Labcorp Genetics (formerly Invitae), Labcorp
Classification: Uncertain significance for POLD1-related polyposis and colorectal cancer syndrome. Last evaluated: 2025-11-05. Review status: criteria provided, single submitter. Criteria: Invitae Variant Classification Sherloc (09022015). Collection method: clinical testing. Allele origin: germline.
Comment: This sequence change replaces lysine, which is basic and polar, with glutamic acid, which is acidic and polar, at codon 373 of the POLD1 protein (p.Lys373Glu). This variant is present in population databases (no rsID available, gnomAD 0.004%). This variant has not been reported in the literature in individuals affected with POLD1-related conditions. ClinVar contains an entry for this variant (Variation ID: 486062). Invitae Evidence Modeling of protein sequence and biophysical properties (such as structural, functional, and spatial information, amino acid conservation, physicochemical variation, residue mobility, and thermodynamic stability) indicates that this missense variant is not expected to disrupt POLD1 protein function with a negative predictive value of 80%. In summary, the available evidence is currently insufficient to determine the role of this variant in disease. Therefore, it has been classified as a Variant of Uncertain Significance.

Ambry Genetics
Classification: Likely benign for Hereditary cancer-predisposing syndrome. Last evaluated: 2024-03-28. Review status: criteria provided, single submitter. Criteria: Ambry Variant Classification Scheme 2023. Collection method: clinical testing. Allele origin: germline.

Baylor Genetics
Classification: Uncertain significance for POLD1-related polyposis and colorectal cancer syndrome. Last evaluated: 2023-09-29. Review status: criteria provided, single submitter. Criteria: ACMG Guidelines, 2015. Collection method: clinical testing. Allele origin: unknown.

GeneDx
Classification: Uncertain significance. Last evaluated: 2023-02-23. Review status: criteria provided, single submitter. Criteria: GeneDx Variant Classification Process June 2021. Collection method: clinical testing. Allele origin: germline. Affected: yes.
Comment: Not observed at significant frequency in large population cohorts (gnomAD); In silico analysis supports that this missense variant does not alter protein structure/function; Has not been previously published as pathogenic or benign to our knowledge; This variant is associated with the following publications: (PMID: 20951805)

Quest Diagnostics Nichols Institute San Juan Capistrano
Classification: Uncertain significance. Last evaluated: 2020-01-14. Review status: criteria provided, single submitter. Criteria: Quest Diagnostics criteria. Collection method: clinical testing. Allele origin: unknown.

Department of Pathology and Laboratory Medicine, Sinai Health System
Classification: Uncertain significance. Review status: no assertion criteria provided. Collection method: clinical testing. Allele origin: unknown. Affected: yes. Study: The Canadian Open Genetics Repository (COGR). Not counted in ClinVar's aggregate classification.
Comment: The POLD1 p.K373E variant was not identified in literature.Â¬â€ The variant was identified in dbSNP (ID: rs897166414) and ClinVar (classified as uncertain significance by Ambry Genetics for hereditary cancer-predisposing syndrome and Invitae for colorectal cancer 10) databases.Â¬â€ The variant was identified in control databases in 2 of 171020 chromosomes at a frequency of 0.00001169, and was observed at the highest frequency in the South Asian population in 1 of 23808 chromosomes (freq: 0.00004200) (Genome Aggregation Database March 6, 2019, v2.1.1).Â¬â€ The p.K373 residue is conserved in mammals and computational analyses (MUT Assesor, SIFT, MutationTaster, Revel, FATHMM, MetaLR, DANN) do not suggest a high likelihood of impact to the protein; Â¬â€ this information is not predictive enough to rule out pathogenicity.Â¬â€ The variant occurs outside of the splicing consensus sequence and in silico or computational prediction software programs (Splice AI exome) do not predict a difference in splicing.Â¬â€ In summary, based on the above information the clinical significance of this variant cannot be determined with certainty at this time. This variant is classified as a variant of uncertain significance.

NM_002691.4(POLD1):c.1117A>G (p.Lys373Glu)

Gene: POLD1 (DNA polymerase delta 1, catalytic subunit; plus strand). Cytogenetic location: 19q13.33.
Variant type: single nucleotide variant.
Coding change: c.1117A>G on transcript NM_002691.4 (MANE Select); coding-DNA position 1117, A replaced by G.
Protein change: p.Lys373Glu; replaces lysine 373 with glutamic acid.
Molecular consequence: missense variant. On other transcripts: non-coding transcript variant (1).
Genome position (GRCh38, 1-based): chr19:50,403,199, A>G. VCF-style: chr19-50403199-A-G. GRCh37 (hg19) VCF-style: chr19-50906456-A-G.
Other names: c.1117A>G, p.Lys373Glu (NM_001256849.1, NM_001308632.1); short protein forms K373E.
Identifiers: ClinVar variation 486062 (VCV000486062.19), dbSNP rs897166414, ClinGen allele CA309601317.